The following is an entry in ClinVar:

ClinVar aggregate classification (germline): Pathogenic (1 of 4 stars; one submission).

Submission:

Labcorp Genetics (formerly Invitae), Labcorp
Classification: Pathogenic. Last evaluated: 2023-02-17. Review status: criteria provided, single submitter. Criteria: Invitae Variant Classification Sherloc (09022015). Collection method: clinical testing. Allele origin: germline.
Comment: This variant is not present in population databases (gnomAD no frequency). This sequence change results in a frameshift in the LZTR1 gene (p.His791Glnfs*63). While this is not anticipated to result in nonsense mediated decay, it is expected to disrupt the last 50 amino acid(s) of the LZTR1 protein and extend the protein by 12 additional amino acid residues. This variant has not been reported in the literature in individuals affected with LZTR1-related conditions. For these reasons, this variant has been classified as Pathogenic. This variant disrupts a region of the LZTR1 protein in which other variant(s) (p.Leu806Trp) have been determined to be pathogenic (Invitae). This suggests that this is a clinically significant region of the protein, and that variants that disrupt it are likely to be disease-causing.

NM_006767.4(LZTR1):c.2372_2373insGGAAGCGGCA (p.His791fs)

Gene: LZTR1 (leucine zipper like post translational regulator 1; plus strand). Cytogenetic location: 22q11.21.
Variant type: Insertion.
Coding change: c.2372_2373insGGAAGCGGCA on transcript NM_006767.4 (MANE Select); coding-DNA positions 2372 to 2373, GGAAGCGGCA inserted.
Protein change: p.His791fs; shifts the reading frame from histidine 791.
Molecular consequence: frameshift variant.
Genome position: GRCh38 VCF-style: chr22-20996923-T-TGAAGCGGCAG. GRCh37 (hg19) VCF-style: chr22-21351212-T-TGAAGCGGCAG.
Other names: short protein forms H791fs.
Identifiers: ClinVar variation 2182962 (VCV002182962.4), dbSNP rs2518626069, ClinGen allele CA2580099324.